The following is an entry in ClinVar:

ClinVar aggregate classification (germline): Uncertain significance. Review status: criteria provided, multiple submitters, no conflicts (2 of 4 stars). 2 submissions from 2 submitters: Uncertain significance (2). Last evaluated 2025-11-26.

Allele frequency attached by ClinVar (database versions not stated): TOPMed 0.00002; gnomAD 0.00003; ESP Exome Variant Server 0.00008; ExAC 0.00005; gnomAD exomes 0.00001.
gnomAD v4.1: 23 of 1,597,956 alleles (0.0014%); highest among the groups gnomAD compares: East Asian, 0.013%; no homozygotes.

Submissions (2):

Ambry Genetics
Classification: Uncertain significance. Last evaluated: 2025-11-26. Review status: criteria provided, single submitter. Criteria: Ambry Variant Classification Scheme 2023. Collection method: clinical testing. Allele origin: germline.

Labcorp Genetics (formerly Invitae), Labcorp
Classification: Uncertain significance. Last evaluated: 2025-10-02. Review status: criteria provided, single submitter. Criteria: Invitae Variant Classification Sherloc (09022015). Collection method: clinical testing. Allele origin: germline.
Comment: This sequence change replaces proline, which is neutral and non-polar, with leucine, which is neutral and non-polar, at codon 529 of the SLC19A1 protein (p.Pro529Leu). This variant is present in population databases (rs145226289, gnomAD 0.02%). This variant has not been reported in the literature in individuals affected with SLC19A1-related conditions. ClinVar contains an entry for this variant (Variation ID: 3001445). An algorithm developed to predict the effect of missense changes on protein structure and function (PolyPhen-2) suggests that this variant is likely to be disruptive. In summary, the available evidence is currently insufficient to determine the role of this variant in disease. Therefore, it has been classified as a Variant of Uncertain Significance.

NM_194255.4(SLC19A1):c.1586C>T (p.Pro529Leu)

Gene: SLC19A1 (solute carrier family 19 member 1; minus strand). Cytogenetic location: 21q22.3.
Variant type: single nucleotide variant.
Coding change: c.1586C>T on transcript NM_194255.4 (MANE Select); coding-DNA position 1586, C replaced by T.
Protein change: p.Pro529Leu; replaces proline 529 with leucine.
Molecular consequence: missense variant. On other transcripts: intron variant (2).
Genome position (GRCh38, 1-based): chr21:45,515,848, G>A on the plus strand (C>T on the coding strand, the complement: SLC19A1 is on the minus strand). VCF-style: chr21-45515848-G-A. GRCh37 (hg19) VCF-style: chr21-46935762-G-A.
Other names: c.1466C>T, p.Pro489Leu (NM_001205207.3); c.1232C>T, p.Pro411Leu (NM_001352510.2); c.1586C>T, p.Pro529Leu (NM_001352512.2); c.1294-696C>T (NM_001352511.3, NM_001205206.4); c.1586C>T (NM_194255.2); short protein forms P489L, P529L, P411L.
Identifiers: ClinVar variation 3001445 (VCV003001445.4), dbSNP rs145226289, ClinGen allele CA10068254.